The following is an entry in ClinVar:

NM_052867.4(NALCN):c.1751T>G (p.Leu584Arg)

Gene: NALCN (sodium leak channel, non-selective; minus strand). Cytogenetic location: 13q33.1.
Variant type: single nucleotide variant.
Coding change: c.1751T>G on transcript NM_052867.4 (MANE Select); coding-DNA position 1751, T replaced by G.
Protein change: p.Leu584Arg; replaces leucine 584 with arginine.
Molecular consequence: missense variant.
Genome position (GRCh38, 1-based): chr13:101,191,930, A>C on the plus strand (T>G on the coding strand, the complement: NALCN is on the minus strand). VCF-style: chr13-101191930-A-C. GRCh37 (hg19) VCF-style: chr13-101844281-A-C.
Other names: c.1751T>G, p.Leu584Arg (NM_001350748.2, NM_001350749.2); c.1664T>G, p.Leu555Arg (NM_001350750.2, NM_001350751.2); short protein forms L555R, L584R.
Identifiers: ClinVar variation 2631026 (VCV002631026.4), dbSNP rs2502769889, ClinGen allele CA388703381.

ClinVar aggregate classification (germline): Uncertain significance. Review status: criteria provided, single submitter (1 of 4 stars). 2 submissions from 2 submitters: Uncertain significance (1). 1 of the submissions does not count toward it. Last evaluated 2024-06-19.

Conditions:
NALCN-related disorder. Also called: NALCN-related condition; NALCN-related disorders.

Submissions (2):

GeneDx
Classification: Uncertain significance. Last evaluated: 2024-06-19. Review status: criteria provided, single submitter. Criteria: GeneDx Variant Classification Process June 2021. Collection method: clinical testing. Allele origin: germline. Affected: yes.
Comment: Not observed at significant frequency in large population cohorts (gnomAD); In silico analysis supports that this missense variant has a deleterious effect on protein structure/function; Has not been previously published as pathogenic or benign to our knowledge

PreventionGenetics, part of Exact Sciences
Classification: Uncertain significance for NALCN-related condition. Last evaluated: 2024-02-29. Review status: no assertion criteria provided. Collection method: clinical testing. Allele origin: germline. Not counted in ClinVar's aggregate classification.
Comment: The NALCN c.1751T>G variant is predicted to result in the amino acid substitution p.Leu584Arg. To our knowledge, this variant has not been reported in the literature or in a large population database, indicating this variant is rare. At this time, the clinical significance of this variant is uncertain due to the absence of conclusive functional and genetic evidence.